The following is an entry in ClinVar:

NM_006940.6(SOX5):c.1411C>T (p.Arg471Ter)

Gene: SOX5 (SRY-box transcription factor 5; minus strand). Cytogenetic location: 12p12.1.
Variant type: single nucleotide variant.
Coding change: c.1411C>T on transcript NM_006940.6 (MANE Select); coding-DNA position 1411, C replaced by T.
Protein change: p.Arg471Ter; replaces arginine 471 with a stop codon.
Molecular consequence: nonsense. On other transcripts: intron variant (1).
Genome position (GRCh38, 1-based): chr12:23,563,335, G>A on the plus strand (C>T on the coding strand, the complement: SOX5 is on the minus strand). VCF-style: chr12-23563335-G-A. GRCh37 (hg19) VCF-style: chr12-23716269-G-A.
Other names: c.1381C>T, p.Arg461Ter (NM_001261415.3); c.1306C>T, p.Arg436Ter (NM_001330785.2); c.1372C>T, p.Arg458Ter (NM_152989.5); c.253C>T, p.Arg85Ter (NM_178010.4); c.1126-16911C>T (NM_001261414.3); short protein forms R436*, R471*, R461*, R85*, R458*.
Identifiers: ClinVar variation 695079 (VCV000695079.9), dbSNP rs1592099852, ClinGen allele CA384317099.
Genomic context (GRCh38, chr12:23,563,335, plus strand): 5'-TATTGAGACCCAGACTATTCACAACAGCCACCTTCCCATCAAGCACCTGTTGTTCCCGTC[G>A]GAGTTGCTCCTTCATTTGCCGAGCTTCTTGGATTGCCTTGGTGACAGCATCATGGTCATT-3'

ClinVar aggregate classification (germline): Pathogenic/Likely pathogenic. Review status: criteria provided, multiple submitters, no conflicts (2 of 4 stars). 6 submissions from 6 submitters: Pathogenic (2); Likely pathogenic (1). 3 of the submissions do not count toward it. Last evaluated 2024-02-19.

Conditions:
Lamb-Shaffer syndrome. Identifiers: Orphanet 313884, Orphanet 313892, Orphanet 530983, MedGen C4225202, MONDO:0014778, OMIM 616803.
Multiple congenital anomalies/dysmorphic syndrome-intellectual disability. Identifiers: Orphanet 102283, MedGen C5680372, MONDO:0015159.

Submissions (6):

Baylor Genetics
Classification: Pathogenic for Lamb-Shaffer syndrome. Last evaluated: 2024-02-19. Review status: criteria provided, single submitter. Criteria: ACMG Guidelines, 2015. Collection method: clinical testing. Allele origin: unknown.

Department of Human Genetics, Hannover Medical School
Classification: Likely pathogenic for Lamb-Shaffer syndrome. Last evaluated: 2023-01-20. Review status: criteria provided, single submitter. Criteria: ACMG Guidelines, 2015. Collection method: clinical testing. Allele origin: germline. Inheritance: Autosomal dominant inheritance. Affected: yes.

AURAGEN, Plan France Médecine Génomique
Classification: Pathogenic for Multiple congenital anomalies/dysmorphic syndrome-intellectual disability. Last evaluated: 2021-09-20. Review status: criteria provided, single submitter. Criteria: PFMG2025 (Lancet Reg Health Eur. 2025). Collection method: clinical testing. Allele origin: germline. Affected: yes.

Institute for Human Genetics, University Hospital Essen
Classification: Pathogenic for Lamb-Shaffer syndrome. Last evaluated: 2019-08-05. Review status: no assertion criteria provided. Collection method: clinical testing. Allele origin: maternal. Inheritance: Autosomal dominant inheritance. Affected: yes. Not counted in ClinVar's aggregate classification.

Hong-Tao Li Lab, Institute of Brain Science and Brain-inspired Research, Shandong First Medical University & Shandong Academy of Medical Sciences China
Classification: Uncertain significance for Lamb-Shaffer syndrome. Review status: no assertion criteria provided. Collection method: research. Allele origin: germline. Inheritance: Autosomal dominant inheritance. Affected: yes. Observed: 1 variant allele, 1 heterozygote. Not counted in ClinVar's aggregate classification.
Comment: Observed in affected individuals from a Pakistani neurodevelopmental-disorder research cohort of 263 individuals. Classification assigned using the ACMG/AMP framework.

Neurology Department of Pediatrics, The Third Affiliated Hospital of Zhengzhou University
Classification: Uncertain significance for Lamb-Shaffer syndrome. Review status: no assertion criteria provided. Collection method: clinical testing. Allele origin: de novo. Inheritance: Autosomal recessive inheritance. Affected: yes. Not counted in ClinVar's aggregate classification.